The following is an entry in ClinVar:

NM_054027.6(ANKH):c.967C>A (p.His323Asn)

Gene: ANKH (ANKH inorganic pyrophosphate transport regulator; minus strand). Cytogenetic location: 5p15.2.
Variant type: single nucleotide variant.
Coding change: c.967C>A on transcript NM_054027.6 (MANE Select); coding-DNA position 967, C replaced by A.
Protein change: p.His323Asn; replaces histidine 323 with asparagine.
Molecular consequence: missense variant.
Genome position (GRCh38, 1-based): chr5:14,741,871, G>T on the plus strand (C>A on the coding strand, the complement: ANKH is on the minus strand). VCF-style: chr5-14741871-G-T. GRCh37 (hg19) VCF-style: chr5-14741980-G-T.
Other names: short protein forms H323N.
Identifiers: ClinVar variation 3620924 (VCV003620924.2).
Genomic context (GRCh38, chr5:14,741,871, plus strand): 5'-GAGCCTCTGTCCTTACCGTGAGTGACAGAGCCATGCAGACGAAGGTGAACTTCTTGATGT[G>T]GGCTGCCGTGACTGTGTTGCTCGTGCTCACCAGTTTGTTGCTGGGGTTATTCTGGGGAAA-3'
Protein context (NP_473368.1, residues 313-333): VSTSNTVTAA[His323Asn]IKKFTFVCMA

ClinVar aggregate classification (germline): Uncertain significance (1 of 4 stars; one submission).

gnomAD v4.1: 4 of 1,614,112 alleles (0.00025%); highest among the groups gnomAD compares: Middle Eastern, 0.016%; no homozygotes.

Submission:

Labcorp Genetics (formerly Invitae), Labcorp
Classification: Uncertain significance. Last evaluated: 2024-09-30. Review status: criteria provided, single submitter. Criteria: Invitae Variant Classification Sherloc (09022015). Collection method: clinical testing. Allele origin: germline.
Comment: This sequence change replaces histidine, which is basic and polar, with asparagine, which is neutral and polar, at codon 323 of the ANKH protein (p.His323Asn). This variant is present in population databases (no rsID available, gnomAD 0.007%). This variant has not been reported in the literature in individuals affected with ANKH-related conditions. Invitae Evidence Modeling of protein sequence and biophysical properties (such as structural, functional, and spatial information, amino acid conservation, physicochemical variation, residue mobility, and thermodynamic stability) indicates that this missense variant is not expected to disrupt ANKH protein function with a negative predictive value of 80%. In summary, the available evidence is currently insufficient to determine the role of this variant in disease. Therefore, it has been classified as a Variant of Uncertain Significance.